The following is an entry in ClinVar:

NM_024675.4(PALB2):c.706T>G (p.Phe236Val)

Gene: PALB2 (partner and localizer of BRCA2; minus strand). Cytogenetic location: 16p12.2.
Variant type: single nucleotide variant.
Coding change: c.706T>G on transcript NM_024675.4 (MANE Select); coding-DNA position 706, T replaced by G.
Protein change: p.Phe236Val; replaces phenylalanine 236 with valine.
Molecular consequence: missense variant.
Genome position (GRCh38, 1-based): chr16:23,635,840, A>C on the plus strand (T>G on the coding strand, the complement: PALB2 is on the minus strand). VCF-style: chr16-23635840-A-C. GRCh37 (hg19) VCF-style: chr16-23647161-A-C.
Other names: short protein forms F236V.
Identifiers: ClinVar variation 826817 (VCV000826817.16), dbSNP rs1196649458, ClinGen allele CA395136356.
Genomic context (GRCh38, chr16:23,635,840, plus strand): 5'-TATCTGATAGAGTCTGTAAAGGAACTGTAGTCGCCCTGGTGAAATTAGGTCTTCTTAGGA[A>C]TGTATCAACACCTTTTTCTGGTTGGGCAGTTGGTGGAATTAATACACTGTCTTCATTAAT-3'
Protein context (NP_078951.2, residues 226-246): TAQPEKGVDT[Phe236Val]LRRPNFTRAT

ClinVar aggregate classification (germline): Uncertain significance. Review status: criteria provided, multiple submitters, no conflicts (2 of 4 stars). 2 submissions from 2 submitters: Uncertain significance (2). Last evaluated 2025-12-24.

Conditions:
Hereditary cancer-predisposing syndrome. Also called: Neoplastic Syndromes, Hereditary; Tumor predisposition; Hereditary neoplastic syndrome; Hereditary Cancer Syndrome. Identifiers: Orphanet 140162, MedGen C0027672, MeSH D009386, MONDO:0015356.
Familial cancer of breast. Also called: BREAST CANCER, FAMILIAL; Hereditary breast cancer; hereditary breast carcinoma. Identifiers: Orphanet 227535, MedGen C0346153, MONDO:0016419, OMIM 114480. Disease mechanism: loss of function.

Allele frequency attached by ClinVar (database versions not stated): TOPMed below 0.00001; gnomAD 0.00001.
gnomAD v4.1: 1 of 1,614,050 alleles (0.000062%); highest among the groups gnomAD compares: African/African-American, 0.0013%; no homozygotes.

Submissions (2):

Labcorp Genetics (formerly Invitae), Labcorp
Classification: Uncertain significance for Familial cancer of breast. Last evaluated: 2025-12-24. Review status: criteria provided, single submitter. Criteria: Invitae Variant Classification Sherloc (09022015). Collection method: clinical testing. Allele origin: germline.
Comment: This sequence change replaces phenylalanine, which is neutral and non-polar, with valine, which is neutral and non-polar, at codon 236 of the PALB2 protein (p.Phe236Val). This variant is present in population databases (no rsID available, gnomAD 0.01%). This variant has not been reported in the literature in individuals affected with PALB2-related conditions. ClinVar contains an entry for this variant (Variation ID: 826817). An algorithm developed to predict the effect of missense changes on protein structure and function (PolyPhen-2) suggests that this variant is likely to be tolerated. In summary, the available evidence is currently insufficient to determine the role of this variant in disease. Therefore, it has been classified as a Variant of Uncertain Significance.

Ambry Genetics
Classification: Uncertain significance for Hereditary cancer-predisposing syndrome. Last evaluated: 2024-04-09. Review status: criteria provided, single submitter. Criteria: Ambry Variant Classification Scheme 2023. Collection method: clinical testing. Allele origin: germline.
Comment: The p.F236V variant (also known as c.706T>G), located in coding exon 4 of the PALB2 gene, results from a T to G substitution at nucleotide position 706. The phenylalanine at codon 236 is replaced by valine, an amino acid with highly similar properties. This amino acid position is poorly conserved in available vertebrate species. In addition, this alteration is predicted to be tolerated by in silico analysis. Since supporting evidence is limited at this time, the clinical significance of this alteration remains unclear.